The following is an entry in ClinVar:

NM_005654.6(NR2F1):c.324T>C (p.Ser108=)

Genes: NR2F1 (nuclear receptor subfamily 2 group F member 1; plus strand), NR2F1-AS1 (NR2F1 antisense RNA 1; minus strand). Cytogenetic location: 5q15.
Variant type: single nucleotide variant.
Coding change: c.324T>C on transcript NM_005654.6 (MANE Select); coding-DNA position 324, T replaced by C.
Protein change: p.Ser108=; no amino-acid change (serine 108 retained).
Molecular consequence: synonymous variant. On other transcripts: non-coding transcript variant (4).
Genome position (GRCh38, 1-based): chr5:93,585,347, T>C. VCF-style: chr5-93585347-T-C. GRCh37 (hg19) VCF-style: chr5-92921053-T-C.
Identifiers: ClinVar variation 3340186 (VCV003340186.1).
Genomic context (GRCh38, chr5:93,585,347, plus strand): 5'-GTGCGGGGACAAGTCGAGCGGCAAGCACTACGGCCAATTCACCTGCGAGGGCTGCAAAAG[T>C]TTCTTCAAGAGGAGCGTCCGCAGGAACTTAACTTACACATGCCGTGCCAACAGGAACTGT-3'
Protein context (NP_005645.1, residues 98-118): YGQFTCEGCK[Ser108=]FFKRSVRRNL

ClinVar aggregate classification (germline): Uncertain significance (1 of 4 stars; one submission).

gnomAD v4.1: 18 of 1,613,636 alleles (0.0011%); highest among the groups gnomAD compares: Non-Finnish European, 0.0015%; no homozygotes.

Submission:

GeneDx
Classification: Uncertain significance. Last evaluated: 2024-01-25. Review status: criteria provided, single submitter. Criteria: GeneDx Variant Classification Process June 2021. Collection method: clinical testing. Allele origin: germline. Affected: yes.
Comment: Not observed at significant frequency in large population cohorts (gnomAD); In silico analysis supports that this variant does not alter splicing; Has not been previously published as pathogenic or benign to our knowledge